The following is an entry in ClinVar:

ClinVar aggregate classification (germline): Uncertain significance (1 of 4 stars; one submission).

Conditions:
Inborn genetic diseases. Identifiers: MedGen C0950123, MeSH D030342.

Submission:

Ambry Genetics
Classification: Uncertain significance for Inborn genetic diseases. Last evaluated: 2025-04-29. Review status: criteria provided, single submitter. Criteria: Ambry Variant Classification Scheme 2023. Collection method: clinical testing. Allele origin: germline.
Comment: The p.L296F variant (also known as c.886C>T), located in coding exon 9 of the DDX41 gene, results from a C to T substitution at nucleotide position 886. The leucine at codon 296 is replaced by phenylalanine, an amino acid with highly similar properties. This amino acid position is conserved. In addition, the in silico prediction for this alteration is inconclusive. Based on the available evidence, the clinical significance of this variant remains unclear.

NM_016222.4(DDX41):c.886C>T (p.Leu296Phe)

Gene: DDX41 (DEAD-box helicase 41; minus strand). Cytogenetic location: 5q35.3.
Variant type: single nucleotide variant.
Coding change: c.886C>T on transcript NM_016222.4 (MANE Select); coding-DNA position 886, C replaced by T.
Protein change: p.Leu296Phe; replaces leucine 296 with phenylalanine.
Molecular consequence: missense variant.
Genome position (GRCh38, 1-based): chr5:177,514,750, G>A on the plus strand (C>T on the coding strand, the complement: DDX41 is on the minus strand). VCF-style: chr5-177514750-G-A. GRCh37 (hg19) VCF-style: chr5-176941751-G-A.
Other names: c.508C>T, p.Leu170Phe (NM_001321732.2, NM_001321830.2); short protein forms L170F, L296F.
Identifiers: ClinVar variation 4010336 (VCV004010336.1).
Genomic context (GRCh38, chr5:177,514,750, plus strand): 5'-CCAGCACTCACTGTCGGATGGTCTCCATCTGCTCTTTCACGGACATGCCCCCAATGCAGA[G>A]GGCGCAGCGCAGGAGTGGTGAGCTGTCCTCCTGCAGCAGGCGGCAGTAGTACTCCAGGAT-3'
Protein context (NP_057306.2, residues 286-306): EDSSPLLRCA[Leu296Phe]CIGGMSVKEQ